The following is an entry in ClinVar:

ClinVar aggregate classification (germline): Likely pathogenic (1 of 4 stars; one submission).

Conditions:
Spongy degeneration of central nervous system. Also called: ACY2 DEFICIENCY; AMINOACYLASE 2 DEFICIENCY; ASP DEFICIENCY; ASPA DEFICIENCY; ASPARTOACYLASE DEFICIENCY; CANAVAN-VAN BOGAERT-BERTRAND DISEASE. Identifiers: Orphanet 141, MedGen C0206307, MONDO:0010079, OMIM 271900.

Submission:

Natera, Inc.
Classification: Likely pathogenic for Canavan Disease. Last evaluated: 2025-08-28. Review status: criteria provided, single submitter. Criteria: Natera Variant Classification Schema (03/2026). Collection method: clinical testing. Allele origin: germline.
Comment: The c.83dupT variant in ASPA is a frameshift variant predicted to shift the reading frame beginning at codon 29 and leads to a stop codon 4 codons downstream. This variant is expected to result in nonsense mediated decay, truncation, or a dysfunctional protein product. This variant is rare in the general population with a frequency below the threshold expected for the associated phenotype(s). Given the available evidence, this variant is classified as Likely Pathogenic.

NM_000049.4(ASPA):c.83dup (p.Phe29fs)

Genes: ASPA (aspartoacylase; plus strand), SPATA22 (spermatogenesis associated 22; minus strand). Cytogenetic location: 17p13.2.
Variant type: Duplication.
Coding change: c.83dup on transcript NM_000049.4 (MANE Select); coding-DNA position 83, one base duplicated (T; older notation c.83dupT).
Protein change: p.Phe29fs; shifts the reading frame from phenylalanine 29.
Molecular consequence: frameshift variant. On other transcripts: intron variant (2).
Genome position (GRCh38, 1-based): chr17:3,476,242, T duplicated. VCF-style (leftmost placement, unchanged base first): chr17-3476241-G-GT. GRCh37 (hg19) VCF-style: chr17-3379535-G-GT.
Other names: c.83dupT (NM_000049.2); c.83dup, p.Phe29fs (NM_001128085.1); c.-73-6844dup (NM_001321336.2, NM_001321337.2); short protein forms F29fs.
Identifiers: ClinVar variation 4818519 (VCV004818519.2).